The following is an entry in ClinVar:

ClinVar aggregate classification (germline): Uncertain significance (1 of 4 stars; one submission).

Conditions:
ALG6-congenital disorder of glycosylation 1C (CDG1C). Also called: Congenital disorder of glycosylation, type Ic; CARBOHYDRATE-DEFICIENT GLYCOPROTEIN SYNDROME, TYPE I, WITH DEFICIENT GLYCOSYLATION OF DOLICHOL-LINKED OLIGOSACCHARIDE; CARBOHYDRATE-DEFICIENT GLYCOPROTEIN SYNDROME, TYPE V; Congenital disorder of glycosylation type 1C; CDG Ic. Identifiers: Orphanet 79320, MedGen C2930997, MONDO:0011291, OMIM 603147.

Allele frequency attached by ClinVar (database versions not stated): TOPMed 0.00001.

Submission:

Labcorp Genetics (formerly Invitae), Labcorp
Classification: Uncertain significance for ALG6-congenital disorder of glycosylation 1C. Last evaluated: 2021-02-19. Review status: criteria provided, single submitter. Criteria: Invitae Variant Classification Sherloc (09022015). Collection method: clinical testing. Allele origin: germline.
Comment: This sequence change affects codon 143 of the ALG6 mRNA. It is a 'silent' change, meaning that it does not change the encoded amino acid sequence of the ALG6 protein. This variant also falls at the last nucleotide of exon 6, which is part of the consensus splice site for this exon. This variant is not present in population databases (ExAC no frequency). This variant has not been reported in the literature in individuals with ALG6-related conditions. Nucleotide substitutions within the consensus splice site are a relatively common cause of aberrant splicing (PMID: 17576681, 9536098). Algorithms developed to predict the effect of sequence changes on RNA splicing suggest that this variant may disrupt the consensus splice site, but this prediction has not been confirmed by published transcriptional studies. In summary, the available evidence is currently insufficient to determine the role of this variant in disease. Therefore, it has been classified as a Variant of Uncertain Significance.

Literature cited by the submitters: PubMed 17576681; PubMed 9536098.

NM_013339.4(ALG6):c.429G>A (p.Lys143=)

Gene: ALG6 (ALG6 alpha-1,3-glucosyltransferase; plus strand). Cytogenetic location: 1p31.3.
Variant type: single nucleotide variant.
Coding change: c.429G>A on transcript NM_013339.4 (MANE Select); coding-DNA position 429, G replaced by A.
Protein change: p.Lys143=; no amino-acid change (lysine 143 retained).
Molecular consequence: synonymous variant.
Genome position (GRCh38, 1-based): chr1:63,406,399, G>A. VCF-style: chr1-63406399-G-A. GRCh37 (hg19) VCF-style: chr1-63872070-G-A.
Identifiers: ClinVar variation 1500083 (VCV001500083.6), dbSNP rs193223712, ClinGen allele CA418198272.